The following is an entry in ClinVar:

ClinVar aggregate classification (germline): Uncertain significance (1 of 4 stars; one submission).

Conditions:
Cardiovascular phenotype. Identifiers: MedGen CN230736.
Hereditary cancer-predisposing syndrome. Also called: Tumor predisposition; Hereditary neoplastic syndrome; Neoplastic Syndromes, Hereditary; Hereditary Cancer Syndrome. Identifiers: Orphanet 140162, MedGen C0027672, MeSH D009386, MONDO:0015356.

Submission:

Ambry Genetics
Classification: Uncertain significance for Cardiovascular phenotype; Hereditary cancer-predisposing syndrome. Last evaluated: 2025-05-13. Review status: criteria provided, single submitter. Criteria: Ambry Variant Classification Scheme 2023. Collection method: clinical testing. Allele origin: germline.
Comment: The p.G333V variant (also known as c.998G>T), located in coding exon 10 of the LZTR1 gene, results from a G to T substitution at nucleotide position 998. The glycine at codon 333 is replaced by valine, an amino acid with dissimilar properties. This amino acid position is conserved. In addition, this alteration is predicted to be tolerated by in silico analysis. Based on the available evidence, the clinical significance of this variant remains unclear.

NM_006767.4(LZTR1):c.998G>T (p.Gly333Val)

Gene: LZTR1 (leucine zipper like post translational regulator 1; plus strand). Cytogenetic location: 22q11.21.
Variant type: single nucleotide variant.
Coding change: c.998G>T on transcript NM_006767.4 (MANE Select); coding-DNA position 998, G replaced by T.
Protein change: p.Gly333Val; replaces glycine 333 with valine.
Molecular consequence: missense variant.
Genome position (GRCh38, 1-based): chr22:20,992,218, G>T. VCF-style: chr22-20992218-G-T. GRCh37 (hg19) VCF-style: chr22-21346507-G-T.
Other names: short protein forms G333V.
Identifiers: ClinVar variation 3993300 (VCV003993300.1).